The following is an entry in ClinVar:

NM_017780.4(CHD7):c.542del (p.Gly181fs)

Gene: CHD7 (chromodomain helicase DNA binding protein 7; plus strand). Cytogenetic location: 8q12.2.
Variant type: Deletion.
Coding change: c.542del on transcript NM_017780.4 (MANE Select); coding-DNA position 542, one base deleted (G; older notation c.542delG).
Protein change: p.Gly181fs; shifts the reading frame from glycine 181.
Molecular consequence: frameshift variant.
Genome position (GRCh38, 1-based): chr8:60,741,974, G deleted; the last of 3 consecutive G bases (chr8:60,741,972-60,741,974); deleting any one gives the same sequence. VCF-style (leftmost placement, unchanged base first): chr8-60741971-AG-A. GRCh37 (hg19) VCF-style: chr8-61654530-AG-A.
Other names: c.542del, p.Gly181fs (NM_001316690.1); short protein forms G181fs.
Identifiers: ClinVar variation 3346995 (VCV003346995.1).

ClinVar aggregate classification (germline): Likely pathogenic (0 of 4 stars; one submission).

Conditions:
CHD7-related disorder. Also called: CHD7-related condition.

Submission:

PreventionGenetics, part of Exact Sciences
Classification: Likely pathogenic for CHD7-related condition. Last evaluated: 2024-06-21. Review status: no assertion criteria provided. Collection method: clinical testing. Allele origin: germline.
Comment: The CHD7 c.542delG variant is predicted to result in a frameshift and premature protein termination (p.Gly181Alafs*30). To our knowledge, this variant has not been reported in the literature or in a large population database, indicating this variant is rare. Frameshift variants in CHD7 are expected to be pathogenic. This variant is interpreted as likely pathogenic.